The following is an entry in ClinVar:

NM_001112704.2(VAX1):c.945C>T (p.Ala315=)

Gene: VAX1 (ventral anterior homeobox 1; minus strand). Cytogenetic location: 10q25.3.
Variant type: single nucleotide variant.
Coding change: c.945C>T on transcript NM_001112704.2 (MANE Select); coding-DNA position 945, C replaced by T.
Protein change: p.Ala315=; no amino-acid change (alanine 315 retained).
Molecular consequence: synonymous variant. On other transcripts: intron variant (1).
Genome position (GRCh38, 1-based): chr10:117,134,068, G>A on the plus strand (C>T on the coding strand, the complement: VAX1 is on the minus strand). VCF-style: chr10-117134068-G-A. GRCh37 (hg19) VCF-style: chr10-118893579-G-A.
Other names: c.430-1591C>T (NM_199131.3); c.945C>T (NM_001112704.1).
Identifiers: ClinVar variation 2780824 (VCV002780824.5), dbSNP rs201441554, ClinGen allele CA5709667.

ClinVar aggregate classification (germline): Benign. Review status: criteria provided, single submitter (1 of 4 stars). 2 submissions from 2 submitters: Benign (1). 1 of the submissions does not count toward it. Last evaluated 2025-01-20.

Conditions:
VAX1-related disorder. Also called: VAX1-related condition.
Microphthalmia, syndromic 11 (MCOPS11). Identifiers: MedGen C3553077, MONDO:0013734, OMIM 614402.

Allele frequency attached by ClinVar (database versions not stated): gnomAD exomes 0.00043; gnomAD 0.00093; TOPMed 0.00097; ExAC 0.00200.

Submissions (2):

Labcorp Genetics (formerly Invitae), Labcorp
Classification: Benign for Microphthalmia, syndromic 11. Last evaluated: 2025-01-20. Review status: criteria provided, single submitter. Criteria: Invitae Variant Classification Sherloc (09022015). Collection method: clinical testing. Allele origin: germline.

PreventionGenetics, part of Exact Sciences
Classification: Benign for VAX1-related condition. Last evaluated: 2023-12-20. Review status: no assertion criteria provided. Collection method: clinical testing. Allele origin: germline. Not counted in ClinVar's aggregate classification.
Comment: This variant is classified as benign based on ACMG/AMP sequence variant interpretation guidelines (Richards et al. 2015 PMID: 25741868, with internal and published modifications).